The following is an entry in ClinVar:

NM_001009944.3(PKD1):c.8161+2T>G

Gene: PKD1 (polycystin 1, transient receptor potential channel interacting; minus strand). Cytogenetic location: 16p13.3.
Variant type: single nucleotide variant.
Coding change: c.8161+2T>G on transcript NM_001009944.3 (MANE Select); the canonical splice donor site of the intron after coding-DNA position 8161, T replaced by G.
Molecular consequence: splice donor variant.
Genome position (GRCh38, 1-based): chr16:2,104,496, A>C on the plus strand (T>G on the coding strand, the complement: PKD1 is on the minus strand). VCF-style: chr16-2104496-A-C. GRCh37 (hg19) VCF-style: chr16-2154497-A-C.
Other names: c.8161+2T>G (NM_000296.4).
Identifiers: ClinVar variation 3764788 (VCV003764788.1).

ClinVar aggregate classification (germline): Pathogenic (1 of 4 stars; one submission).

Conditions:
Polycystic kidney disease, adult type (PKD1). Also called: Polycystic Kidney Disease 1, Autosomal Dominant; Polycystic kidney disease 1; Polycystic kidney disease 1, severe; POLYCYSTIC KIDNEY DISEASE, ADULT, TYPE I; Polycystic Kidney, Autosomal Dominant; POLYCYSTIC KIDNEY DISEASE 1 WITH OR WITHOUT POLYCYSTIC LIVER DISEASE. Identifiers: MedGen C3149841, MONDO:0008263, OMIM 173900.

gnomAD v4.1: 1 of 1,520,440 alleles (0.000066%); highest among the groups gnomAD compares: Non-Finnish European, 0.000089%; no homozygotes.

Submission:

MVZ Medizinische Genetik Mainz
Classification: Pathogenic for Polycystic kidney disease, adult type. Last evaluated: 2025-02-06. Review status: criteria provided, single submitter. Criteria: UK Practice Guidelines For Variant Classification V4 01 2020. Collection method: clinical testing. Allele origin: germline. Inheritance: Autosomal dominant inheritance. Affected: yes. Observed: 1 variant allele.
Comment: ACMG Criteria: PVS1,PS1_SUP,PM2_SUP